The following is an entry in ClinVar:

ClinVar aggregate classification (germline): Likely pathogenic. Review status: criteria provided, multiple submitters, no conflicts (2 of 4 stars). 2 submissions from 2 submitters: Likely pathogenic (2). Last evaluated 2025-08-23.

Conditions:
COL1A2-related disorder. Also called: COL1A2-related condition; COL1A2-Related Disorders.

Submissions (2):

PreventionGenetics, part of Exact Sciences
Classification: Likely pathogenic for COL1A2-related condition. Last evaluated: 2025-08-23. Review status: criteria provided, single submitter. Criteria: ACMG Guidelines, 2015. Collection method: clinical testing. Allele origin: germline.
Comment: The COL1A2 c.3275delC variant is predicted to result in a frameshift and premature protein termination (p.Pro1092Leufs*12). To our knowledge, this variant has not been reported in the literature or in a large population database (gnomAD), indicating this variant is rare. Frameshift variants in COL1A2 are expected to be pathogenic. This variant is interpreted as likely pathogenic.

Blueprint Genetics
Classification: Likely pathogenic for COL1A2-related disorders. Last evaluated: 2022-04-14. Review status: criteria provided, single submitter. Criteria: ACMG Guidelines, 2015. Collection method: clinical testing. Allele origin: germline. Affected: yes. Observed: 2 variant alleles.

NM_000089.4(COL1A2):c.3275del (p.Pro1092fs)

Gene: COL1A2 (collagen type I alpha 2 chain; plus strand). Cytogenetic location: 7q21.3.
Variant type: Deletion.
Coding change: c.3275del on transcript NM_000089.4 (MANE Select); coding-DNA position 3275, one base deleted (C; older notation c.3275delC).
Protein change: p.Pro1092fs; shifts the reading frame from proline 1092.
Molecular consequence: frameshift variant.
Genome position (GRCh38, 1-based): chr7:94,427,634, C deleted; the last of 6 consecutive C bases (chr7:94,427,629-94,427,634); deleting any one gives the same sequence. VCF-style (leftmost placement, unchanged base first): chr7-94427628-GC-G. GRCh37 (hg19) VCF-style: chr7-94056940-GC-G.
Other names: short protein forms P1092fs.
Identifiers: ClinVar variation 4896864 (VCV004896864.2).